The following is an entry in ClinVar:

ClinVar aggregate classification (germline): Uncertain significance (1 of 4 stars; one submission).

Conditions:
Inborn genetic diseases. Identifiers: MedGen C0950123, MeSH D030342.

Allele frequency attached by ClinVar (database versions not stated): gnomAD exomes below 0.00001; TOPMed below 0.00001.
gnomAD v4.1: 3 of 1,603,148 alleles (0.00019%); highest among the groups gnomAD compares: Non-Finnish European, 0.00026%; no homozygotes.

Submission:

Ambry Genetics
Classification: Uncertain significance for Inborn genetic diseases. Last evaluated: 2022-05-30. Review status: criteria provided, single submitter. Criteria: Ambry Variant Classification Scheme 2023. Collection method: clinical testing. Allele origin: germline.
Comment: The p.P460S variant (also known as c.1378C>T), located in coding exon 10 of the EPAS1 gene, results from a C to T substitution at nucleotide position 1378. The proline at codon 460 is replaced by serine, an amino acid with similar properties. This amino acid position is conserved. In addition, this alteration is predicted to be tolerated by in silico analysis. Since supporting evidence is limited at this time, the clinical significance of this alteration remains unclear.

NM_001430.5(EPAS1):c.1378C>T (p.Pro460Ser)

Gene: EPAS1 (endothelial PAS domain protein 1; plus strand). Cytogenetic location: 2p21.
Variant type: single nucleotide variant.
Coding change: c.1378C>T on transcript NM_001430.5 (MANE Select); coding-DNA position 1378, C replaced by T.
Protein change: p.Pro460Ser; replaces proline 460 with serine.
Molecular consequence: missense variant.
Genome position (GRCh38, 1-based): chr2:46,378,022, C>T. VCF-style: chr2-46378022-C-T. GRCh37 (hg19) VCF-style: chr2-46605161-C-T.
Other names: short protein forms P460S.
Identifiers: ClinVar variation 1771218 (VCV001771218.2), dbSNP rs1445824525, ClinGen allele CA346703957.